The following is an entry in ClinVar:

ClinVar aggregate classification (germline): Pathogenic. Review status: reviewed by expert panel (3 of 4 stars). 14 submissions from 14 submitters: Pathogenic (1). 13 of the submissions do not count toward it. Last evaluated 2024-12-03.

Conditions:
LZTR1-related disorder. Also called: LZTR1-related disorders; LZTR1-related condition.
RASopathy. Also called: rasopathies; Noonan spectrum disorder. Identifiers: Orphanet 536391, MedGen C5555857, MONDO:0021060.
Noonan syndrome 10 (NS10). Identifiers: Orphanet 648, MedGen C4225280, MONDO:0014693, OMIM 616564.
Hereditary cancer-predisposing syndrome. Also called: Tumor predisposition; Hereditary Cancer Syndrome; Hereditary neoplastic syndrome; Neoplastic Syndromes, Hereditary. Identifiers: Orphanet 140162, MedGen C0027672, MeSH D009386, MONDO:0015356.
Cardiovascular phenotype. Identifiers: MedGen CN230736.
LZTR1-related schwannomatosis. Also called: Schwannomatosis-2, susceptibility to; Schwannomatosis 2. Identifiers: Orphanet 93921, MedGen C3810283, MONDO:0014299, OMIM 615670.

Allele frequency attached by ClinVar (database versions not stated): TOPMed 0.00002; gnomAD 0.00003.
gnomAD v4.1: 11 of 1,603,876 alleles (0.00069%); highest among the groups gnomAD compares: African/African-American, 0.0027%; no homozygotes.

Submissions 1 to 6 of 14:

ClinGen RASopathy Variant Curation Expert Panel
Classification: Pathogenic for RASopathy. Last evaluated: 2024-12-03. Review status: reviewed by expert panel. Criteria: ClinGen RASopathy ACMG Specifications LZTR1 V1.3.0. Collection method: curation. Allele origin: germline. Inheritance: Autosomal dominant inheritance.
Comment: The NM_006767.4:c.842C>T variant in LZTR1 is a missense variant predicted to cause substitution of proline by leucine at amino acid 281 (p.Pro281Leu). This variant is absent from gnomAD v2.1.1 (PM2_Supporting). The computational predictor REVEL gives a score of 0.591, which is neither above nor below the thresholds predicting a damaging or benign impact on LZTR1 function. This variant has been reported in 3 probands with RASopathy (PS4_Supporting; SCV000808488.6, SCV002677796.3, GeneDx, Ambry Genetics). This variant has been identified as a de novo occurrence with confirmed parental relationships in 3 individuals with RASopathy (PS2_VeryStrong; SCV000808488.6, SCV002677796.3, GeneDx, Ambry Genetics). In summary, this variant meets the criteria to be classified as pathogenic for autosomal dominant RASopathy based on the ACMG/AMP criteria applied, as specified by the ClinGen RASopathy VCEP: PS2_VeryStrong, PS4_Supporting, PM2_Supporting. (ClinGen RASopathy VCEP specifications version 1.3; 12/3/2024)

PreventionGenetics, part of Exact Sciences
Classification: Likely pathogenic for LZTR1-related condition. Last evaluated: 2026-08-05. Review status: criteria provided, single submitter. Criteria: ACMG Guidelines, 2015. Collection method: clinical testing. Allele origin: germline. Not counted in ClinVar's aggregate classification.
Comment: The LZTR1 c.842C>T variant is predicted to result in the amino acid substitution p.Pro281Leu. This variant has been reported in an individual with schwannoma (Table S8 - Louvrier et al. 2018. PubMed ID: 29409008). This variant has not been reported in a large population database (gnomAD). In ClinVar, this variant has conflicting interpretations of uncertain and likely pathogenic with multiple labs reporting the variant was found to be de novo in individuals with features of Noonan syndrome; however, this was not able to be independently verified (Variation ID: 561683). This variant is interpreted as likely pathogenic.

Labcorp Genetics (formerly Invitae), Labcorp
Classification: Likely pathogenic. Last evaluated: 2026-01-26. Review status: criteria provided, single submitter. Criteria: Invitae Variant Classification Sherloc (09022015). Collection method: clinical testing. Allele origin: germline. Not counted in ClinVar's aggregate classification.
Comment: This sequence change replaces proline, which is neutral and non-polar, with leucine, which is neutral and non-polar, at codon 281 of the LZTR1 protein (p.Pro281Leu). This variant is not present in population databases (gnomAD no frequency). This missense change has been observed in individual(s) with Noonan syndrome and/or schwannomatosis (PMID: 29409008; external communication, internal data). In at least one individual the variant was observed to be de novo. ClinVar contains an entry for this variant (Variation ID: 561683). Invitae Evidence Modeling of protein sequence and biophysical properties (such as structural, functional, and spatial information, amino acid conservation, physicochemical variation, residue mobility, and thermodynamic stability) indicates that this missense variant is not expected to disrupt LZTR1 protein function with a negative predictive value of 80%. In summary, the currently available evidence indicates that the variant is pathogenic, but additional data are needed to prove that conclusively. Therefore, this variant has been classified as Likely Pathogenic.

3billion
Classification: Likely pathogenic for Noonan syndrome 10. Last evaluated: 2026-01-06. Review status: criteria provided, single submitter. Criteria: ACMG Guidelines, 2015. Collection method: clinical testing. Allele origin: germline. Affected: yes. Not counted in ClinVar's aggregate classification.
Comment: The variant is observed at an extremely low frequency in the gnomAD v4.1.0 dataset (total allele frequency: <0.001%). Predicted Consequence/Location: Missense variant In silico tool predictions suggest damaging effect of the variant on gene or gene product [ 3Cnet: 0.81 (> 0.75, sensitivity 0.96 and precision 0.92)]. The same nucleotide change resulting in the same amino acid change has been previously reported as pathogenic/likely pathogenic with strong evidence (ClinVar ID: VCV000561683). Therefore, this variant is classified as Likely pathogenic according to the recommendation of ACMG/AMP guideline.

Clinical Genomics Laboratory, Washington University in St. Louis
Classification: Pathogenic for Noonan syndrome 10; LZTR1-related schwannomatosis. Last evaluated: 2025-12-06. Review status: criteria provided, single submitter. Criteria: ACMG Guidelines, 2015. Collection method: clinical testing. Allele origin: germline. Affected: yes. Not counted in ClinVar's aggregate classification.
Comment: The LZTR1 c.842C>T (p.Pro281Leu) variant has been reported in at least one patient from a cohort of individuals affected with schwannomatosis; however, not enough clinical information was available (Louvrier C et al., PMID: 29409008). Expert panel curation reported this variant as occurring de novo in three individuals with RASopathy (internal data). This variant has been reported in the ClinVar database as a germline pathogenic variant by three submitters, including an expert panel, and as a likely pathogenic variant by three submitters. This variant is absent from the general population (gnomAD v.2.1.1), indicating it is not a common variant. Computational predictors are uncertain as to the impact of this variant on LZTR1 function. Based on available information and the ACMG/AMP guidelines for variant interpretation (Richards S et al., PMID: 25741868), and the ClinGen RASopathy Expert Panel Specifications to the ACMG/AMP Variant Interpretation Guidelines for LZTR1 Version 1.3.0 this variant is classified as pathogenic.

Variantyx, Inc.
Classification: Likely pathogenic for Noonan syndrome 10. Last evaluated: 2025-08-25. Review status: criteria provided, single submitter. Criteria: Variantyx Assertion Criteria 2022. Collection method: clinical testing. Allele origin: de novo. Inheritance: Autosomal dominant inheritance. Affected: yes. Not counted in ClinVar's aggregate classification.
Comment: This is a nonsynonymous variant in the LZTR1 gene (OMIM: 600574). Pathogenic variants in this gene have been associated with autosomal dominant Noonan syndrome 10. It has been reported in at least three unrelated affected individuals (PS4_Moderate). This variant has a 0.0027% maximum allele frequency in non-founder control populations. Other reputable laboratories have reported this variant as pathogenic or likely pathogenic, and this classification has been validated by an expert panel in ClinVar. Based on the current evidence, this variant is classified as likely pathogenic for autosomal dominant Noonan syndrome 10.

NM_006767.4(LZTR1):c.842C>T (p.Pro281Leu)

Gene: LZTR1 (leucine zipper like post translational regulator 1; plus strand). Cytogenetic location: 22q11.21.
Variant type: single nucleotide variant.
Coding change: c.842C>T on transcript NM_006767.4 (MANE Select); coding-DNA position 842, C replaced by T.
Protein change: p.Pro281Leu; replaces proline 281 with leucine.
Molecular consequence: missense variant.
Genome position (GRCh38, 1-based): chr22:20,991,678, C>T. VCF-style: chr22-20991678-C-T. GRCh37 (hg19) VCF-style: chr22-21345967-C-T.
Other names: NM_006767.4(LZTR1):c.842C>T; p.Pro281Leu; short protein forms P281L.
Identifiers: ClinVar variation 561683 (VCV000561683.71), dbSNP rs1390048261, ClinGen allele CA410781220.
Genomic context (GRCh38, chr22:20,991,678, plus strand): 5'-GTACCCCCAGGTGGACACGCATCCCAACTGAACACCTGCTCCGGGGCTCCCCACCACCCC[C>T]GCAGCGGCGCTACGGGCATACCATGGTGGCCTTTGACCGCCACCTCTATGTGTTTGGGGG-3'
Protein context (NP_006758.2, residues 271-291): EHLLRGSPPP[Pro281Leu]QRRYGHTMVA